The following is an entry in ClinVar:

ClinVar aggregate classification (germline): Uncertain significance. Review status: criteria provided, multiple submitters, no conflicts (2 of 4 stars). 3 submissions from 3 submitters: Uncertain significance (3). Last evaluated 2025-08-05.

Conditions:
Complement component 5 deficiency. Also called: C5 DEFICIENCY. Identifiers: MedGen C0343047, MONDO:0012295, OMIM 609536.
Eculizumab, poor response to. Identifiers: MedGen C3810402, OMIM 615749.

Allele frequency attached by ClinVar (database versions not stated): ExAC 0.00005; gnomAD exomes 0.00006; TOPMed 0.00008; gnomAD 0.00010 and 0.00011; 1000 Genomes Project 30x 0.00031; 1000 Genomes Project 0.00040.
gnomAD v4.1: 103 of 1,613,232 alleles (0.0064%); highest among the groups gnomAD compares: East Asian, 0.1%; no homozygotes.

Submissions (3):

Ambry Genetics
Classification: Uncertain significance. Last evaluated: 2025-08-05. Review status: criteria provided, single submitter. Criteria: Ambry Variant Classification Scheme 2023. Collection method: clinical testing. Allele origin: germline.

Labcorp Genetics (formerly Invitae), Labcorp
Classification: Uncertain significance. Last evaluated: 2022-08-19. Review status: criteria provided, single submitter. Criteria: Invitae Variant Classification Sherloc (09022015). Collection method: clinical testing. Allele origin: germline.
Comment: This sequence change replaces threonine, which is neutral and polar, with methionine, which is neutral and non-polar, at codon 514 of the C5 protein (p.Thr514Met). This variant is present in population databases (rs199664327, gnomAD 0.04%). This variant has not been reported in the literature in individuals affected with C5-related conditions. ClinVar contains an entry for this variant (Variation ID: 1439978). Algorithms developed to predict the effect of missense changes on protein structure and function are either unavailable or do not agree on the potential impact of this missense change (SIFT: "Deleterious"; PolyPhen-2: "Probably Damaging"; Align-GVGD: "Class C0"). In summary, the available evidence is currently insufficient to determine the role of this variant in disease. Therefore, it has been classified as a Variant of Uncertain Significance.

Fulgent Genetics
Classification: Uncertain significance for Complement component 5 deficiency; Eculizumab, poor response to. Last evaluated: 2022-05-05. Review status: criteria provided, single submitter. Criteria: ACMG Guidelines, 2015. Collection method: clinical testing. Allele origin: unknown.

NM_001735.3(C5):c.1541C>T (p.Thr514Met)

Gene: C5 (complement C5; minus strand). Cytogenetic location: 9q33.2.
Variant type: single nucleotide variant.
Coding change: c.1541C>T on transcript NM_001735.3 (MANE Select); coding-DNA position 1541, C replaced by T.
Protein change: p.Thr514Met; replaces threonine 514 with methionine.
Molecular consequence: missense variant.
Genome position (GRCh38, 1-based): chr9:121,017,818, G>A on the plus strand (C>T on the coding strand, the complement: C5 is on the minus strand). VCF-style: chr9-121017818-G-A. GRCh37 (hg19) VCF-style: chr9-123780096-G-A.
Other names: c.1541C>T, p.Thr514Met (NM_001317164.2); c.1559C>T, p.Thr520Met (NM_001317163.2); c.1541C>T (NM_001735.2); short protein forms T514M, T520M.
Identifiers: ClinVar variation 1439978 (VCV001439978.7), dbSNP rs199664327, ClinGen allele CA5218040.
Genomic context (GRCh38, chr9:121,017,818, plus strand): 5'-ATGTTCTGTGTTACTGGAATGTTTATACTTTGATAAGATGCATCTGAAAATTTCTCCCTC[G>A]TGCCAAAGTGGATAATTTTGCCCTTGGATAAAATCTAAAAATAAACAGCAGCAGCAACAA-3'
Protein context (NP_001726.2, residues 504-524): LSKGKIIHFG[Thr514Met]REKFSDASYQ